The following is an entry in ClinVar:

ClinVar aggregate classification (germline): Likely pathogenic (1 of 4 stars; one submission).

Conditions:
LAMA2-related muscular dystrophy (LAMA2-RD). Also called: Laminin alpha 2-related dystrophy. Identifiers: MedGen C5679788, MONDO:0100228.

Allele frequency attached by ClinVar (database versions not stated): gnomAD exomes below 0.00001.
gnomAD v4.1: 3 of 1,613,868 alleles (0.00019%); highest among the groups gnomAD compares: Non-Finnish European, 0.00025%; no homozygotes.

Submission:

Myriad Genetics, Inc.
Classification: Likely pathogenic for LAMA2-related muscular dystrophy. Last evaluated: 2019-02-28. Review status: criteria provided, single submitter. Criteria: Myriad Autosomal Dominant, Autosomal Recessive and X-Linked Classification Criteria (2023). Collection method: clinical testing. Allele origin: unknown.
Comment: NM_000426.3(LAMA2):c.5092A>T(K1698*) is expected to be pathogenic in the context of LAMA2-related muscular dystrophy. This variant is predicted to lead to an abnormal or absent protein product due to the creation of a premature termination codon in LAMA2, a gene where loss-of-function variants are known to be pathogenic. Please note: this variant was assessed in the context of healthy population screening.

NM_000426.4(LAMA2):c.5092A>T (p.Lys1698Ter)

Gene: LAMA2 (laminin subunit alpha 2; plus strand). Cytogenetic location: 6q22.33.
Variant type: single nucleotide variant.
Coding change: c.5092A>T on transcript NM_000426.4 (MANE Select); coding-DNA position 5092, A replaced by T.
Protein change: p.Lys1698Ter; replaces lysine 1698 with a stop codon.
Molecular consequence: nonsense.
Genome position (GRCh38, 1-based): chr6:129,391,511, A>T. VCF-style: chr6-129391511-A-T. GRCh37 (hg19) VCF-style: chr6-129712656-A-T.
Other names: c.5092A>T, p.Lys1698Ter (NM_001079823.2); short protein forms K1698*.
Identifiers: ClinVar variation 984091 (VCV000984091.4), dbSNP rs1779318396, ClinGen allele CA365613937.